The following is an entry in ClinVar:

ClinVar aggregate classification (germline): Conflicting classifications of pathogenicity. Review status: criteria provided, conflicting classifications (1 of 4 stars). 6 submissions from 6 submitters: Uncertain significance (4); Likely benign (2). Last evaluated 2025-07-28.

Conditions:
Hereditary cancer-predisposing syndrome. Also called: Hereditary neoplastic syndrome; Neoplastic Syndromes, Hereditary; Tumor predisposition; Hereditary Cancer Syndrome. Identifiers: Orphanet 140162, MedGen C0027672, MeSH D009386, MONDO:0015356.
Hereditary breast ovarian cancer syndrome. Also called: Hereditary breast and ovarian cancer syndrome (HBOC); Breast and ovarian cancer; Hereditary breast and/or ovarian cancer syndrome; BRCA1- and BRCA2-Associated Hereditary Breast and Ovarian Cancer; Hereditary breast and ovarian cancer syndrome; Hereditary breast and ovarian cancer. Identifiers: Orphanet 145, MedGen C0677776, MeSH D061325, MONDO:0003582. Disease mechanism: loss of function.

Submissions (6):

Color Diagnostics, LLC DBA Color Health
Classification: Uncertain significance for Hereditary cancer-predisposing syndrome. Last evaluated: 2025-07-28. Review status: criteria provided, single submitter. Criteria: ACMG Guidelines, 2015. Collection method: clinical testing. Allele origin: germline.
Comment: This missense variant replaces methionine with valine at codon 1361 of the BRCA1 protein. Computational prediction is inconclusive regarding the impact of this variant on protein structure and function. To our knowledge, functional studies have not been reported for this variant. This variant has not been reported in individuals affected with BRCA1-related disorders in the literature. This variant has not been identified in the general population by the Genome Aggregation Database (gnomAD). The available evidence is insufficient to determine the role of this variant in disease conclusively. Therefore, this variant is classified as a Variant of Uncertain Significance.

Labcorp Genetics (formerly Invitae), Labcorp
Classification: Uncertain significance for Hereditary breast ovarian cancer syndrome. Last evaluated: 2024-04-30. Review status: criteria provided, single submitter. Criteria: Invitae Variant Classification Sherloc (09022015). Collection method: clinical testing. Allele origin: germline.
Comment: This sequence change replaces methionine, which is neutral and non-polar, with valine, which is neutral and non-polar, at codon 1361 of the BRCA1 protein (p.Met1361Val). This variant is not present in population databases (gnomAD no frequency). This variant has not been reported in the literature in individuals affected with BRCA1-related conditions. ClinVar contains an entry for this variant (Variation ID: 185881). Advanced modeling of protein sequence and biophysical properties (such as structural, functional, and spatial information, amino acid conservation, physicochemical variation, residue mobility, and thermodynamic stability) performed at Invitae indicates that this missense variant is not expected to disrupt BRCA1 protein function with a negative predictive value of 95%. In summary, the available evidence is currently insufficient to determine the role of this variant in disease. Therefore, it has been classified as a Variant of Uncertain Significance.

Women's Health and Genetics/Laboratory Corporation of America, LabCorp
Classification: Uncertain significance. Last evaluated: 2023-08-23. Review status: criteria provided, single submitter. Criteria: LabCorp Variant Classification Summary - May 2015. Collection method: clinical testing. Allele origin: germline.

University of Washington Department of Laboratory Medicine, University of Washington
Classification: Likely benign for Hereditary cancer-predisposing syndrome. Last evaluated: 2023-03-23. Review status: criteria provided, single submitter. Criteria: Dines et al. (Genet Med. 2020). Collection method: curation. Allele origin: germline.
Comment: Missense variant in a coldspot region where missense variants are very unlikely to be pathogenic (PMID:31911673).

BRCA1 coldspot (exon 11 using historical exon numbering). Reclassification based on statistical prior probability

GeneDx
Classification: Uncertain significance. Last evaluated: 2020-09-09. Review status: criteria provided, single submitter. Criteria: GeneDx Variant Classification Process June 2021. Collection method: clinical testing. Allele origin: germline. Affected: yes.
Comment: Not observed in large population cohorts (Lek 2016); In silico analysis supports that this missense variant does not alter protein structure/function; Has not been previously published as pathogenic or benign to our knowledge; Also known as 4200A>G

Ambry Genetics
Classification: Likely benign for Hereditary cancer-predisposing syndrome. Last evaluated: 2017-07-24. Review status: criteria provided, single submitter. Criteria: Ambry Variant Classification Scheme 2023. Collection method: clinical testing. Allele origin: germline.

NM_007294.4(BRCA1):c.4081A>G (p.Met1361Val)

Genes: BRCA1 (BRCA1 DNA repair associated; minus strand), LOC126862571 (BRD4-independent group 4 enhancer GRCh37_chr17:41243136-41244335; plus strand). Cytogenetic location: 17q21.31.
Variant type: single nucleotide variant.
Coding change: c.4081A>G on transcript NM_007294.4 (MANE Select); coding-DNA position 4081, A replaced by G.
Protein change: p.Met1361Val; replaces methionine 1361 with valine.
Molecular consequence: missense variant. On other transcripts: intron variant (135).
Genome position (GRCh38, 1-based): chr17:43,091,450, T>C on the plus strand (A>G on the coding strand, the complement: BRCA1 is on the minus strand). VCF-style: chr17-43091450-T-C. GRCh37 (hg19) VCF-style: chr17-41243467-T-C.
Other names: c.578-418A>G (NM_001408479.1, NM_001408482.1, NM_001408484.1 and 9 more transcripts); c.662-418A>G (NM_001408445.1, NM_001408432.1, NM_001408450.1 and 6 more transcripts); c.668-418A>G (NM_001408431.1, NM_001408424.1, NM_001408421.1); c.785-418A>G (NM_001408407.1, NM_001408402.1, NM_001408473.1 and 13 more transcripts); c.665-418A>G (NM_001408443.1, NM_001408439.1, NM_001408425.1 and 12 more transcripts); c.671-418A>G (NM_001408419.1, NM_001408422.1, NM_001408418.1 and 2 more transcripts); c.788-418A>G (NM_001408403.1, NM_001407983.1, NM_001407975.1 and 17 more transcripts); c.791-427A>G (NM_001408406.1); and 41 more; short protein forms M1361V, M1314V, M1193V, M1233V, M1249V, M1273V, M1290V, M1293V.
Identifiers: ClinVar variation 185881 (VCV000185881.20), dbSNP rs80357218, ClinGen allele CA002609.